The following is an entry in ClinVar:

ClinVar aggregate classification (germline): Uncertain significance (1 of 4 stars; one submission).

Submission:

Labcorp Genetics (formerly Invitae), Labcorp
Classification: Uncertain significance. Last evaluated: 2023-04-07. Review status: criteria provided, single submitter. Criteria: Invitae Variant Classification Sherloc (09022015). Collection method: clinical testing. Allele origin: germline.
Comment: This sequence change replaces proline, which is neutral and non-polar, with serine, which is neutral and polar, at codon 163 of the TWNK protein (p.Pro163Ser). This variant is not present in population databases (gnomAD no frequency). This variant has not been reported in the literature in individuals affected with TWNK-related conditions. Advanced modeling of protein sequence and biophysical properties (such as structural, functional, and spatial information, amino acid conservation, physicochemical variation, residue mobility, and thermodynamic stability) performed at Invitae indicates that this missense variant is not expected to disrupt TWNK protein function. In summary, the available evidence is currently insufficient to determine the role of this variant in disease. Therefore, it has been classified as a Variant of Uncertain Significance.

NM_021830.5(TWNK):c.487C>T (p.Pro163Ser)

Gene: TWNK (twinkle mtDNA helicase; plus strand). Cytogenetic location: 10q24.31.
Variant type: single nucleotide variant.
Coding change: c.487C>T on transcript NM_021830.5 (MANE Select); coding-DNA position 487, C replaced by T.
Protein change: p.Pro163Ser; replaces proline 163 with serine.
Molecular consequence: missense variant. On other transcripts: non-coding transcript variant (4), intron variant (3).
Genome position (GRCh38, 1-based): chr10:100,988,697, C>T. VCF-style: chr10-100988697-C-T. GRCh37 (hg19) VCF-style: chr10-102748454-C-T.
Other names: c.487C>T, p.Pro163Ser (NM_001163812.2); c.-119-947C>T (NM_001163814.2, NM_001163813.2); c.-57-1009C>T (NM_001368275.1); short protein forms P163S.
Identifiers: ClinVar variation 2879998 (VCV002879998.3), dbSNP rs2493628631, ClinGen allele CA378207484.